The following is an entry in ClinVar:

NM_020987.5(ANK3):c.8132_8133del (p.Lys2711fs)

Gene: ANK3 (ankyrin 3; minus strand). Cytogenetic location: 10q21.2.
Variant type: Deletion.
Coding change: c.8132_8133del on transcript NM_020987.5 (MANE Select); coding-DNA positions 8132 to 8133, 2 bases deleted (AA; older notation c.8132_8133delAA).
Protein change: p.Lys2711fs; shifts the reading frame from lysine 2711.
Molecular consequence: frameshift variant. On other transcripts: intron variant (4).
Genome position (GRCh38, 1-based): chr10:60,072,748-60,072,749, TT deleted on the plus strand (AA on the coding strand, the reverse complement: ANK3 is on the minus strand); deleting any 2 consecutive bases within chr10:60,072,748-60,072,750 gives the same sequence; the c. name uses the placement nearest the transcript's 3' end. VCF-style (leftmost placement, unchanged base first): chr10-60072747-GTT-G. GRCh37 (hg19) VCF-style: chr10-61832505-GTT-G.
Other names: c.4388-4740_4388-4739del (NM_001204403.2); c.4409-4740_4409-4739del (NM_001204404.2); c.4406-4740_4406-4739del (NM_001320874.2); c.1808-4740_1808-4739del (NM_001149.4); short protein forms K2711fs.
Identifiers: ClinVar variation 424274 (VCV000424274.2), dbSNP rs1064796891, ClinGen allele CA16618961.
Genomic context (GRCh38, chr10:60,072,747, plus strand): 5'-CCTTACTTTTTGCGTGTGTGCCTTGTTCAAATTTTAATCTAATGGAACTGAGTTTAGATT[GTT>G]TGAGCTGGAATCCAGACTGGGGCCCATCTGGTGCTTTGCTCTGTGAAATACTTCCTTTGG-3'

ClinVar aggregate classification (germline): Uncertain significance (1 of 4 stars; one submission).

Submission:

GeneDx
Classification: Uncertain significance. Last evaluated: 2017-03-07. Review status: criteria provided, single submitter. Criteria: GeneDx Variant Classification (06012015). Collection method: clinical testing. Allele origin: germline. Affected: yes.
Comment: The c.8132_8133delAA variant in the ANK3 gene has not been reported previously as a pathogenic variant nor as a benign variant, to our knowledge. The c.8132_8133delAA variant causes a frameshift starting with codon Lysine 2711, changes this amino acid to a Threonine residue, and creates a premature Stop codon at position 3 of the new reading frame, denoted p.Lys2711ThrfsX3. This variant is predicted to cause loss of normal protein function either through protein truncation or nonsense-mediated mRNA decay. The c.8132_8133delAA variant is not observed in large population cohorts (Lek et al., 2016; 1000 Genomes Consortium et al., 2015; Exome Variant Server). We interpret c.8132_8133delAA as a variant of uncertain significance.